The following is an entry in ClinVar:

NM_020975.6(RET):c.1082A>T (p.Asn361Ile)

Gene: RET (ret proto-oncogene; plus strand). Cytogenetic location: 10q11.21.
Variant type: single nucleotide variant.
Coding change: c.1082A>T on transcript NM_020975.6 (MANE Select); coding-DNA position 1082, A replaced by T.
Protein change: p.Asn361Ile; replaces asparagine 361 with isoleucine.
Molecular consequence: missense variant.
Genome position (GRCh38, 1-based): chr10:43,109,049, A>T. VCF-style: chr10-43109049-A-T. GRCh37 (hg19) VCF-style: chr10-43604497-A-T.
Other names: c.1082A>T, p.Asn361Ile (NM_000323.2, NM_001406743.1, NM_001406744.1 and 6 more transcripts); c.320A>T, p.Asn107Ile (NM_001355216.2); c.356A>T, p.Asn119Ile (NM_001406777.1, NM_001406778.1, NM_001406775.1 and 1 more transcripts); c.92A>T, p.Asn31Ile (NM_001406784.1); c.953A>T, p.Asn318Ile (NM_001406761.1, NM_001406762.1, NM_001406764.1 and 1 more transcripts); c.794A>T, p.Asn265Ile (NM_001406766.1, NM_001406767.1, NM_001406770.1); c.644A>T, p.Asn215Ile (NM_001406771.1, NM_001406773.1); short protein forms N318I, N107I, N119I, N215I, N361I, N265I, N31I.
Identifiers: ClinVar variation 2146155 (VCV002146155.5), dbSNP rs2538423308, ClinGen allele CA376547249.

ClinVar aggregate classification (germline): Uncertain significance. Review status: criteria provided, multiple submitters, no conflicts (2 of 4 stars). 2 submissions from 2 submitters: Uncertain significance (2). Last evaluated 2026-08-25.

Conditions:
Hereditary cancer-predisposing syndrome. Also called: Tumor predisposition; Hereditary Cancer Syndrome; Hereditary neoplastic syndrome; Neoplastic Syndromes, Hereditary. Identifiers: Orphanet 140162, MedGen C0027672, MeSH D009386, MONDO:0015356.
Multiple endocrine neoplasia, type 2 (MEN2). Identifiers: Orphanet 653, MedGen C4048306, MONDO:0019003. Disease mechanism: gain of function.

Submissions (2):

Ambry Genetics
Classification: Uncertain significance for Hereditary cancer-predisposing syndrome. Last evaluated: 2026-08-25. Review status: criteria provided, single submitter. Criteria: Ambry Variant Classification Scheme 2023. Collection method: clinical testing. Allele origin: germline.
Comment: The p.N361I variant (also known as c.1082A>T), located in coding exon 6 of the RET gene, results from an A to T substitution at nucleotide position 1082. The asparagine at codon 361 is replaced by isoleucine, an amino acid with dissimilar properties. This amino acid position is poorly conserved in available vertebrate species. In addition, this alteration is predicted to be tolerated by in silico analysis. Based on the available evidence, the clinical significance of this variant remains unclear.

Labcorp Genetics (formerly Invitae), Labcorp
Classification: Uncertain significance for Multiple endocrine neoplasia, type 2. Last evaluated: 2025-04-12. Review status: criteria provided, single submitter. Criteria: Invitae Variant Classification Sherloc (09022015). Collection method: clinical testing. Allele origin: germline.
Comment: This sequence change replaces asparagine, which is neutral and polar, with isoleucine, which is neutral and non-polar, at codon 361 of the RET protein (p.Asn361Ile). This variant is not present in population databases (gnomAD no frequency). This variant has not been reported in the literature in individuals affected with RET-related conditions. ClinVar contains an entry for this variant (Variation ID: 2146155). An algorithm developed to predict the effect of missense changes on protein structure and function (PolyPhen-2) suggests that this variant is likely to be tolerated. In summary, the available evidence is currently insufficient to determine the role of this variant in disease. Therefore, it has been classified as a Variant of Uncertain Significance.